The following is an entry in ClinVar:

NM_173354.5(SIK1):c.1439G>T (p.Arg480Leu)

Gene: SIK1 (salt inducible kinase 1; minus strand). Cytogenetic location: 21q22.3.
Variant type: single nucleotide variant.
Coding change: c.1439G>T on transcript NM_173354.5 (MANE Select); coding-DNA position 1439, G replaced by T.
Protein change: p.Arg480Leu; replaces arginine 480 with leucine.
Molecular consequence: missense variant.
Genome position (GRCh38, 1-based): chr21:43,419,044, C>A on the plus strand (G>T on the coding strand, the complement: SIK1 is on the minus strand). VCF-style: chr21-43419044-C-A. GRCh37 (hg19) VCF-style: chr21-44838924-C-A.
Other names: short protein forms R480L.
Identifiers: ClinVar variation 3626460 (VCV003626460.2).

ClinVar aggregate classification (germline): Uncertain significance (1 of 4 stars; one submission).

Conditions:
Developmental and epileptic encephalopathy, 30 (DEE30). Also called: Epileptic encephalopathy, early infantile, 30. Identifiers: MedGen C4225360, MONDO:0014595, OMIM 616341.

Submission:

Labcorp Genetics (formerly Invitae), Labcorp
Classification: Uncertain significance for Developmental and epileptic encephalopathy, 30. Last evaluated: 2024-12-24. Review status: criteria provided, single submitter. Criteria: Invitae Variant Classification Sherloc (09022015). Collection method: clinical testing. Allele origin: germline.
Comment: This sequence change replaces arginine, which is basic and polar, with leucine, which is neutral and non-polar, at codon 480 of the SIK1 protein (p.Arg480Leu). This variant is present in population databases (no rsID available, gnomAD no frequency). This variant has not been reported in the literature in individuals affected with SIK1-related conditions. Invitae Evidence Modeling of protein sequence and biophysical properties (such as structural, functional, and spatial information, amino acid conservation, physicochemical variation, residue mobility, and thermodynamic stability) indicates that this missense variant is not expected to disrupt SIK1 protein function with a negative predictive value of 95%. In summary, the available evidence is currently insufficient to determine the role of this variant in disease. Therefore, it has been classified as a Variant of Uncertain Significance.